The following is an entry in ClinVar:

NM_015272.5(RPGRIP1L):c.1029+6C>T

Gene: RPGRIP1L (RPGRIP1 like; minus strand). Cytogenetic location: 16q12.2.
Variant type: single nucleotide variant.
Coding change: c.1029+6C>T on transcript NM_015272.5 (MANE Select); 6 bases into the intron after coding-DNA position 1029, C replaced by T.
Molecular consequence: intron variant.
Genome position (GRCh38, 1-based): chr16:53,672,864, G>A on the plus strand (C>T on the coding strand, the complement: RPGRIP1L is on the minus strand). VCF-style: chr16-53672864-G-A. GRCh37 (hg19) VCF-style: chr16-53706776-G-A.
Other names: c.1029+6C>T (NM_001127897.4, NM_001330538.2, NM_001308334.3).
Identifiers: ClinVar variation 2038016 (VCV002038016.3), dbSNP rs754449838, ClinGen allele CA8057958.

ClinVar aggregate classification (germline): Uncertain significance. Review status: criteria provided, multiple submitters, no conflicts (2 of 4 stars). 3 submissions from 3 submitters: Uncertain significance (3). Last evaluated 2026-03-23.

Conditions:
Meckel syndrome, type 5 (MKS5). Identifiers: Orphanet 564, MedGen C1969052, MONDO:0012695, OMIM 611561.
Joubert syndrome 7 (JBTS7). Identifiers: Orphanet 220497, MedGen C1969053, MONDO:0012694, OMIM 611560.
COACH syndrome 3. Identifiers: MedGen C5436841, MONDO:0030862, OMIM 619113.
Meckel-Gruber syndrome. Also called: DYSENCEPHALIA SPLANCHNOCYSTICA; GRUBER SYNDROME; Dysencephalia splachnocystica. Identifiers: Orphanet 564, MedGen C0265215, MONDO:0018921.
Joubert syndrome. Also called: JOUBERT-BOLTSHAUSER SYNDROME; Familial aplasia of the vermis. Identifiers: Orphanet 475, MedGen C5979921, MONDO:0018772.

Allele frequency attached by ClinVar (database versions not stated): gnomAD exomes 0.00001; ExAC 0.00002; TOPMed 0.00002.
gnomAD v4.1: 11 of 1,611,292 alleles (0.00068%); highest among the groups gnomAD compares: East Asian, 0.0089%; no homozygotes.

Submissions (3):

Women's Health and Genetics/Laboratory Corporation of America, LabCorp
Classification: Uncertain significance. Last evaluated: 2026-03-23. Review status: criteria provided, single submitter. Criteria: LabCorp Variant Classification Summary - May 2015. Collection method: clinical testing. Allele origin: germline.

Fulgent Genetics
Classification: Uncertain significance for Joubert syndrome 7; Meckel syndrome, type 5; COACH syndrome 3. Last evaluated: 2024-02-12. Review status: criteria provided, single submitter. Criteria: ACMG Guidelines, 2015. Collection method: clinical testing. Allele origin: germline.

Labcorp Genetics (formerly Invitae), Labcorp
Classification: Uncertain significance for Joubert syndrome; Meckel-Gruber syndrome. Last evaluated: 2021-08-29. Review status: criteria provided, single submitter. Criteria: Invitae Variant Classification Sherloc (09022015). Collection method: clinical testing. Allele origin: germline.
Comment: This sequence change falls in intron 8 of the RPGRIP1L gene. It does not directly change the encoded amino acid sequence of the RPGRIP1L protein, but it affects a nucleotide within the consensus splice site of the intron. This variant is present in population databases (rs754449838, ExAC 0.03%). This variant has not been reported in the literature in individuals with RPGRIP1L-related disease. Nucleotide substitutions within the consensus splice site are a relatively common cause of aberrant splicing (PMID: 17576681, 9536098). Algorithms developed to predict the effect of sequence changes on RNA splicing suggest that this variant is not likely to affect RNA splicing, but this prediction has not been confirmed by published transcriptional studies. In summary, the available evidence is currently insufficient to determine the role of this variant in disease. Therefore, it has been classified as a Variant of Uncertain Significance.

Literature cited by the submitters: PubMed 17576681 (cited by Labcorp Genetics (formerly Invitae), Labcorp); PubMed 9536098 (cited by Labcorp Genetics (formerly Invitae), Labcorp).